The following is an entry in ClinVar:

ClinVar aggregate classification (germline): Likely pathogenic. Review status: criteria provided, multiple submitters, no conflicts (2 of 4 stars). 2 submissions from 2 submitters: Likely pathogenic (2). Last evaluated 2026-01-23.

Conditions:
alpha Thalassemia. Also called: Alpha thalassemia spectrum. Identifiers: Orphanet 846, MedGen C0002312, MONDO:0011399, OMIM 604131.

Submissions (2):

Otogenetics
Classification: Likely pathogenic for alpha Thalassemia. Last evaluated: 2026-01-23. Review status: criteria provided, single submitter. Criteria: ACMG Guidelines, 2015. Collection method: clinical testing. Allele origin: germline.

Natera, Inc.
Classification: Likely pathogenic for Alpha thalassemia. Last evaluated: 2025-12-19. Review status: criteria provided, single submitter. Criteria: Natera Variant Classification Schema (03/2026). Collection method: clinical testing. Allele origin: germline.
Comment: The c.69delC variant in HBA1 is a frameshift variant predicted to shift the reading frame beginning at codon 24 and leads to a stop codon 26 codons downstream. This variant is expected to result in nonsense mediated decay, truncation, or a dysfunctional protein product. This variant is rare in the general population with a frequency below the threshold expected for the associated phenotype(s). Given the available evidence, this variant is classified as Likely Pathogenic.

Literature cited by the submitters: PVS1: Frameshift indel introduces premature stop codon in gene with loss of function as mechanism of disease, predicted to undergo NMD (cited by Otogenetics); PM2: Maximum gnomAD MAF of 0.0121% in African (AFR) subpopulation (<0.114% threshold) (cited by Otogenetics).

NM_000558.5(HBA1):c.69del (p.Glu24fs)

Genes: HBA1 (hemoglobin subunit alpha 1; plus strand), LOC106804613 (hemoglobin subunit alpha 1 recombination region; plus strand). Cytogenetic location: 16p13.3.
Variant type: Deletion.
Coding change: c.69del on transcript NM_000558.5 (MANE Select); coding-DNA position 69, one base deleted (C; older notation c.69delC).
Protein change: p.Glu24fs; shifts the reading frame from glutamic acid 24.
Molecular consequence: frameshift variant.
Genome position (GRCh38, 1-based): chr16:176,785, C deleted. VCF-style (leftmost placement, unchanged base first): chr16-176784-GC-G. GRCh37 (hg19) VCF-style: chr16-226783-GC-G.
Other names: short protein forms E24fs.
Identifiers: ClinVar variation 4814416 (VCV004814416.2), dbSNP rs1439011679.